The following is an entry in ClinVar:

ClinVar aggregate classification (germline): Uncertain significance. Review status: criteria provided, multiple submitters, no conflicts (2 of 4 stars). 2 submissions from 2 submitters: Uncertain significance (2). Last evaluated 2024-08-21.

Allele frequency attached by ClinVar (database versions not stated): gnomAD exomes below 0.00001 and 0.00001; gnomAD 0.00001; TOPMed 0.00001; ESP Exome Variant Server 0.00008.
gnomAD v4.1: 5 of 1,614,018 alleles (0.00031%); highest among the groups gnomAD compares: East Asian, 0.0022%; no homozygotes.

Submissions (2):

Labcorp Genetics (formerly Invitae), Labcorp
Classification: Uncertain significance. Last evaluated: 2024-08-21. Review status: criteria provided, single submitter. Criteria: Invitae Variant Classification Sherloc (09022015). Collection method: clinical testing. Allele origin: germline.
Comment: This sequence change replaces threonine, which is neutral and polar, with alanine, which is neutral and non-polar, at codon 660 of the COMP protein (p.Thr660Ala). This variant is present in population databases (rs376437040, gnomAD 0.005%). This variant has not been reported in the literature in individuals affected with COMP-related conditions. ClinVar contains an entry for this variant (Variation ID: 1699763). Invitae Evidence Modeling of protein sequence and biophysical properties (such as structural, functional, and spatial information, amino acid conservation, physicochemical variation, residue mobility, and thermodynamic stability) indicates that this missense variant is expected to disrupt COMP protein function with a positive predictive value of 80%. In summary, the available evidence is currently insufficient to determine the role of this variant in disease. Therefore, it has been classified as a Variant of Uncertain Significance.

GeneDx
Classification: Uncertain significance. Last evaluated: 2022-01-26. Review status: criteria provided, single submitter. Criteria: GeneDx Variant Classification Process June 2021. Collection method: clinical testing. Allele origin: germline. Affected: yes.
Comment: In silico analysis supports that this missense variant has a deleterious effect on protein structure/function; Has not been previously published as pathogenic or benign to our knowledge

NM_000095.3(COMP):c.1978A>G (p.Thr660Ala)

Gene: COMP (cartilage oligomeric matrix protein; minus strand). Cytogenetic location: 19p13.11.
Variant type: single nucleotide variant.
Coding change: c.1978A>G on transcript NM_000095.3 (MANE Select); coding-DNA position 1978, A replaced by G.
Protein change: p.Thr660Ala; replaces threonine 660 with alanine.
Molecular consequence: missense variant.
Genome position (GRCh38, 1-based): chr19:18,784,300, T>C on the plus strand (A>G on the coding strand, the complement: COMP is on the minus strand). VCF-style: chr19-18784300-T-C. GRCh37 (hg19) VCF-style: chr19-18895110-T-C.
Other names: short protein forms T660A.
Identifiers: ClinVar variation 1699763 (VCV001699763.4), dbSNP rs376437040, ClinGen allele CA306253033.